The following is an entry in ClinVar:

NC_000007.13:g.(?_6042074)_(6049099_?)del

Genes: AIMP2 (aminoacyl tRNA synthetase complex interacting multifunctional protein 2; plus strand), PMS2 (PMS1 homolog 2, mismatch repair system component; minus strand). Cytogenetic location: 7p22.1.
Variant type: Deletion.
Identifiers: ClinVar variation 1072971 (VCV001072971.2).

ClinVar aggregate classification (germline): Pathogenic (1 of 4 stars; one submission).

Conditions:
Hereditary nonpolyposis colorectal neoplasms. Identifiers: MedGen C0009405, MeSH D003123.

Submission:

Labcorp Genetics (formerly Invitae), Labcorp
Classification: Pathogenic for Hereditary nonpolyposis colorectal neoplasms. Last evaluated: 2022-10-25. Review status: criteria provided, single submitter. Criteria: Invitae Variant Classification Sherloc (09022015). Collection method: clinical testing. Allele origin: germline.
Comment: This variant is a gross deletion of the genomic region encompassing exon(s) 1-5 of the PMS2 gene, which includes the initiator codon. This deletion extends beyond the assayed region for this gene and therefore may encompass additional genes. It is expected to result in an absent or disrupted protein product. Loss-of-function variants in PMS2 are known to be pathogenic (PMID: 21376568, 24362816). A similar copy number variant has been observed in individual(s) with PMS2-related conditions (Invitae). For these reasons, this variant has been classified as Pathogenic.

Literature cited by the submitters: PubMed 21376568; PubMed 24362816.